The following is an entry in ClinVar:

NM_001079802.2(FKTN):c.1185G>A (p.Pro395=)

Gene: FKTN (fukutin; plus strand). Cytogenetic location: 9q31.2.
Variant type: single nucleotide variant.
Coding change: c.1185G>A on transcript NM_001079802.2 (MANE Select); coding-DNA position 1185, G replaced by A.
Protein change: p.Pro395=; no amino-acid change (proline 395 retained).
Molecular consequence: synonymous variant. On other transcripts: missense variant (1), non-coding transcript variant (2).
Genome position (GRCh38, 1-based): chr9:105,635,063, G>A. VCF-style: chr9-105635063-G-A. GRCh37 (hg19) VCF-style: chr9-108397344-G-A.
Other names: c.1185G>A, p.Pro395= (NM_001198963.2, NM_001351496.2, NM_006731.2); c.1116G>A, p.Pro372= (NM_001351497.2); c.1216G>A, p.Glu406Lys (NM_001351498.2); c.789G>A, p.Pro263= (NM_001351499.2, NM_001351500.2, NM_001351501.2 and 1 more transcripts); short protein forms E406K.
Identifiers: ClinVar variation 511247 (VCV000511247.13), dbSNP rs141886790, ClinGen allele CA5170593.

ClinVar aggregate classification (germline): Likely benign. Review status: criteria provided, multiple submitters, no conflicts (2 of 4 stars). 4 submissions from 4 submitters: Likely benign (4). Last evaluated 2026-01-24.

Conditions:
Cardiovascular phenotype. Identifiers: MedGen CN230736.
Walker-Warburg congenital muscular dystrophy. Also called: Muscular dystrophy-dystroglycanopathy, type A; Walker-Warburg syndrome. Identifiers: Orphanet 899, MedGen C0265221, MONDO:0000171.

Allele frequency attached by ClinVar (database versions not stated): TOPMed 0.00003.
gnomAD v4.1: 28 of 1,613,878 alleles (0.0017%); highest among the groups gnomAD compares: South Asian, 0.014%; no homozygotes.

Submissions (4):

Labcorp Genetics (formerly Invitae), Labcorp
Classification: Likely benign for Walker-Warburg congenital muscular dystrophy. Last evaluated: 2026-01-24. Review status: criteria provided, single submitter. Criteria: Invitae Variant Classification Sherloc (09022015). Collection method: clinical testing. Allele origin: germline.

Women's Health and Genetics/Laboratory Corporation of America, LabCorp
Classification: Likely benign. Last evaluated: 2021-10-30. Review status: criteria provided, single submitter. Criteria: LabCorp Variant Classification Summary - May 2015. Collection method: clinical testing. Allele origin: germline.

Ambry Genetics
Classification: Likely benign for Cardiovascular phenotype. Last evaluated: 2020-01-14. Review status: criteria provided, single submitter. Criteria: Ambry Variant Classification Scheme 2023. Collection method: clinical testing. Allele origin: germline.

GeneDx
Classification: Likely benign. Last evaluated: 2017-08-03. Review status: criteria provided, single submitter. Criteria: GeneDx Variant Classification (06012015). Collection method: clinical testing. Allele origin: germline. Affected: yes.
Comment: This variant is considered likely benign or benign based on one or more of the following criteria: it is a conservative change, it occurs at a poorly conserved position in the protein, it is predicted to be benign by multiple in silico algorithms, and/or has population frequency not consistent with disease.